The following is an entry in ClinVar:

NM_004444.5(EPHB4):c.2277T>C (p.Phe759=)

Gene: EPHB4 (EPH receptor B4; minus strand). Cytogenetic location: 7q22.1.
Variant type: single nucleotide variant.
Coding change: c.2277T>C on transcript NM_004444.5 (MANE Select); coding-DNA position 2277, T replaced by C.
Protein change: p.Phe759=; no amino-acid change (phenylalanine 759 retained).
Molecular consequence: synonymous variant.
Genome position (GRCh38, 1-based): chr7:100,807,422, A>G on the plus strand (T>C on the coding strand, the complement: EPHB4 is on the minus strand). VCF-style: chr7-100807422-A-G. GRCh37 (hg19) VCF-style: chr7-100405044-A-G.
Other names: p.Phe759=.
Identifiers: ClinVar variation 1788880 (VCV001788880.23), dbSNP rs528672824, ClinGen allele CA4392686.

ClinVar aggregate classification (germline): Benign/Likely benign. Review status: criteria provided, multiple submitters, no conflicts (2 of 4 stars). 5 submissions from 5 submitters: Benign (1); Likely benign (3). 1 of the submissions does not count toward it. Last evaluated 2026-02-01.

Conditions:
Cardiovascular phenotype. Identifiers: MedGen CN230736.
EPHB4-related disorder. Also called: EPHB4-related disorders; EPHB4-related condition.

Allele frequency attached by ClinVar (database versions not stated): TOPMed 0.00008; gnomAD exomes 0.00015; 1000 Genomes Project 30x 0.00016; 1000 Genomes Project 0.00020; gnomAD 0.00028; ExAC 0.00041.
gnomAD v4.1: 292 of 1,613,788 alleles (0.018%); highest among the groups gnomAD compares: East Asian, 0.031%; 1 homozygote.

Submissions (5):

Labcorp Genetics (formerly Invitae), Labcorp
Classification: Benign. Last evaluated: 2026-02-01. Review status: criteria provided, single submitter. Criteria: Invitae Variant Classification Sherloc (09022015). Collection method: clinical testing. Allele origin: germline.

Mayo Clinic Laboratories, Mayo Clinic
Classification: Likely benign. Last evaluated: 2025-04-08. Review status: criteria provided, single submitter. Criteria: ACMG Guidelines, 2015. Collection method: clinical testing. Allele origin: germline. Observed: 1 variant allele.
Comment: BS1, BP4, BP7

CeGaT Center for Human Genetics Tuebingen
Classification: Likely benign. Last evaluated: 2025-02-01. Review status: criteria provided, single submitter. Criteria: CeGaT Center For Human Genetics Tuebingen Variant Classification Criteria Version 2. Collection method: clinical testing. Allele origin: germline. Affected: yes. Observed: 1 variant allele.
Comment: EPHB4: BP4, BP7

Ambry Genetics
Classification: Likely benign for Cardiovascular phenotype. Last evaluated: 2019-10-25. Review status: criteria provided, single submitter. Criteria: Ambry Variant Classification Scheme 2023. Collection method: clinical testing. Allele origin: germline.

PreventionGenetics, part of Exact Sciences
Classification: Likely benign for EPHB4-related condition. Last evaluated: 2022-12-08. Review status: no assertion criteria provided. Collection method: clinical testing. Allele origin: germline. Not counted in ClinVar's aggregate classification.
Comment: This variant is classified as likely benign based on ACMG/AMP sequence variant interpretation guidelines (Richards et al. 2015 PMID: 25741868, with internal and published modifications).